The following is an entry in ClinVar:

NM_001162501.2(TNRC6B):c.2977A>G (p.Met993Val)

Gene: TNRC6B (trinucleotide repeat containing adaptor 6B; plus strand). Cytogenetic location: 22q13.1.
Variant type: single nucleotide variant.
Coding change: c.2977A>G on transcript NM_001162501.2 (MANE Select); coding-DNA position 2977, A replaced by G.
Protein change: p.Met993Val; replaces methionine 993 with valine.
Molecular consequence: missense variant.
Genome position (GRCh38, 1-based): chr22:40,273,436, A>G. VCF-style: chr22-40273436-A-G. GRCh37 (hg19) VCF-style: chr22-40669440-A-G.
Other names: c.736A>G, p.Met246Val (NM_001024843.2); c.2818A>G, p.Met940Val (NM_015088.3); short protein forms M246V, M940V, M993V.
Identifiers: ClinVar variation 2653181 (VCV002653181.24), dbSNP rs762117902, ClinGen allele CA411644363.

ClinVar aggregate classification (germline): Uncertain significance (1 of 4 stars; one submission).

gnomAD v4.1: 6 of 1,607,506 alleles (0.00037%); highest among the groups gnomAD compares: East Asian, 0.0022%; no homozygotes.

Submission:

CeGaT Center for Human Genetics Tuebingen
Classification: Uncertain significance. Last evaluated: 2022-05-01. Review status: criteria provided, single submitter. Criteria: CeGaT Center For Human Genetics Tuebingen Variant Classification Criteria Version 2. Collection method: clinical testing. Allele origin: germline. Affected: yes. Observed: 1 variant allele.
Comment: TNRC6B: PM2